The following is an entry in ClinVar:

NM_015158.5(KANK1):c.2389G>A (p.Val797Met)

Gene: KANK1 (KN motif and ankyrin repeat domains 1; plus strand). Cytogenetic location: 9p24.3.
Variant type: single nucleotide variant.
Coding change: c.2389G>A on transcript NM_015158.5 (MANE Select); coding-DNA position 2389, G replaced by A.
Protein change: p.Val797Met; replaces valine 797 with methionine.
Molecular consequence: missense variant. On other transcripts: non-coding transcript variant (1).
Genome position (GRCh38, 1-based): chr9:713,155, G>A. VCF-style: chr9-713155-G-A. GRCh37 (hg19) VCF-style: chr9-713155-G-A.
Other names: c.2389G>A, p.Val797Met (NM_001256876.3, NM_001256877.3, NM_001354331.2 and 2 more transcripts); c.1915G>A, p.Val639Met (NM_001354333.2, NM_001354335.2, NM_001354336.2 and 9 more transcripts); short protein forms V639M, V797M.
Identifiers: ClinVar variation 1360133 (VCV001360133.7), dbSNP rs540922500, ClinGen allele CA4960497.

ClinVar aggregate classification (germline): Uncertain significance. Review status: criteria provided, multiple submitters, no conflicts (2 of 4 stars). 2 submissions from 2 submitters: Uncertain significance (2). Last evaluated 2025-04-14.

Conditions:
Cerebral palsy, spastic quadriplegic, 2 (CPSQ2). Identifiers: Orphanet 210141, MedGen C2752061, MONDO:0013033, OMIM 612900.

Allele frequency attached by ClinVar (database versions not stated): ExAC 0.00003; TOPMed 0.00003; gnomAD 0.00004 and 0.00008; gnomAD exomes 0.00006; 1000 Genomes Project 30x 0.00078; 1000 Genomes Project 0.00100.
gnomAD v4.1: 66 of 1,591,812 alleles (0.0041%); highest among the groups gnomAD compares: South Asian, 0.017%; 1 homozygote.

Submissions (2):

Labcorp Genetics (formerly Invitae), Labcorp
Classification: Uncertain significance. Last evaluated: 2025-04-14. Review status: criteria provided, single submitter. Criteria: Invitae Variant Classification Sherloc (09022015). Collection method: clinical testing. Allele origin: germline.
Comment: This sequence change replaces valine, which is neutral and non-polar, with methionine, which is neutral and non-polar, at codon 797 of the KANK1 protein (p.Val797Met). This variant is present in population databases (rs540922500, gnomAD 0.02%). This missense change has been observed in individual(s) with KANK1-related conditions (PMID: 33057194). ClinVar contains an entry for this variant (Variation ID: 1360133). Invitae Evidence Modeling of protein sequence and biophysical properties (such as structural, functional, and spatial information, amino acid conservation, physicochemical variation, residue mobility, and thermodynamic stability) indicates that this missense variant is expected to disrupt KANK1 protein function with a positive predictive value of 80%. In summary, the available evidence is currently insufficient to determine the role of this variant in disease. Therefore, it has been classified as a Variant of Uncertain Significance.

Fulgent Genetics
Classification: Uncertain significance for Cerebral palsy, spastic quadriplegic, 2. Last evaluated: 2022-02-24. Review status: criteria provided, single submitter. Criteria: ACMG Guidelines, 2015. Collection method: clinical testing. Allele origin: unknown.

Literature cited by the submitters: PubMed 33057194 (cited by Labcorp Genetics (formerly Invitae), Labcorp).